The following is an entry in ClinVar:

NM_001329943.3(KIAA0586):c.1129+4A>G

Gene: KIAA0586 (KIAA0586; plus strand). Cytogenetic location: 14q23.1.
Variant type: single nucleotide variant.
Coding change: c.1129+4A>G on transcript NM_001329943.3 (MANE Select); 4 bases into the intron after coding-DNA position 1129, A replaced by G.
Molecular consequence: intron variant.
Genome position (GRCh38, 1-based): chr14:58,450,750, A>G. VCF-style: chr14-58450750-A-G. GRCh37 (hg19) VCF-style: chr14-58917468-A-G.
Other names: c.1288+4A>G (NM_001244189.2); c.1084+4A>G (NM_001244190.2); c.997+4A>G (NM_001244192.2); c.874+4A>G (NM_001244191.2, NM_001364701.2, NM_001329945.2 and 1 more transcripts); c.1129+4A>G (NM_001329944.2, NM_001329946.2, NM_001329947.2 and 1 more transcripts); c.709+4A>G (NM_001244193.2).
Identifiers: ClinVar variation 3234760 (VCV003234760.20), dbSNP rs2542948708, ClinGen allele CA2625057009.
Genomic context (GRCh38, chr14:58,450,750, plus strand): 5'-CAAAGAGGGAAAATCTTTTGGAAGAAAAAGAAAATATGGAAGTGTCGTGTCACAGAGGTA[A>G]TAGAGACTTTTACTAGACCTATCCCAAATTAGGAAATTGTCATGAGATTTTCTGTGCCTA-3'

ClinVar aggregate classification (germline): Uncertain significance (1 of 4 stars; one submission).

Allele frequency attached by ClinVar (database versions not stated): gnomAD exomes below 0.00001.
gnomAD v4.1: 1 of 1,580,424 alleles (0.000063%); highest among the groups gnomAD compares: Non-Finnish European, 0.000087%; no homozygotes.

Submission:

CeGaT Center for Human Genetics Tuebingen
Classification: Uncertain significance. Last evaluated: 2024-04-01. Review status: criteria provided, single submitter. Criteria: CeGaT Center For Human Genetics Tuebingen Variant Classification Criteria Version 2. Collection method: clinical testing. Allele origin: germline. Affected: yes. Observed: 1 variant allele.
Comment: KIAA0586: PM2, BP4